The following is an entry in ClinVar:

NM_001256715.2(DNAAF3):c.1210G>A (p.Gly404Arg)

Genes: DNAAF3-AS1 (DNAAF3 antisense RNA 1; plus strand), DNAAF3 (dynein axonemal assembly factor 3; minus strand). Cytogenetic location: 19q13.42.
Variant type: single nucleotide variant.
Coding change: c.1210G>A on transcript NM_001256715.2 (MANE Select); coding-DNA position 1210, G replaced by A.
Protein change: p.Gly404Arg; replaces glycine 404 with arginine.
Molecular consequence: missense variant.
Genome position (GRCh38, 1-based): chr19:55,159,561, C>T on the plus strand (G>A on the coding strand, the complement: DNAAF3 is on the minus strand). VCF-style: chr19-55159561-C-T. GRCh37 (hg19) VCF-style: chr19-55670929-C-T.
Other names: c.1048G>A, p.Gly350Arg (NM_001256716.2); c.1351G>A, p.Gly451Arg (NM_178837.4); c.1411G>A, p.Gly471Arg (NM_001256714.1); short protein forms G471R, G451R, G350R, G404R.
Identifiers: ClinVar variation 454616 (VCV000454616.7), dbSNP rs202084011, ClinGen allele CA9667847.

ClinVar aggregate classification (germline): Uncertain significance. Review status: criteria provided, multiple submitters, no conflicts (2 of 4 stars). 2 submissions from 2 submitters: Uncertain significance (2). Last evaluated 2024-02-20.

Conditions:
Primary ciliary dyskinesia. Also called: Ciliary dyskinesia. Identifiers: Orphanet 244, MedGen C0008780, MONDO:0016575, HP:0012265.

Allele frequency attached by ClinVar (database versions not stated): gnomAD exomes 0.00006; ExAC 0.00008; gnomAD 0.00011 and 0.00013; 1000 Genomes Project 30x 0.00016; TOPMed 0.00017; 1000 Genomes Project 0.00020.
gnomAD v4.1: 73 of 1,603,998 alleles (0.0046%); highest among the groups gnomAD compares: African/African-American, 0.04%; no homozygotes.

Submissions (2):

Blueprint Genetics
Classification: Uncertain significance. Last evaluated: 2024-02-20. Review status: criteria provided, single submitter. Criteria: ACMG Guidelines, 2015. Collection method: clinical testing. Allele origin: germline.

Labcorp Genetics (formerly Invitae), Labcorp
Classification: Uncertain significance for Primary ciliary dyskinesia. Last evaluated: 2022-06-28. Review status: criteria provided, single submitter. Criteria: Invitae Variant Classification Sherloc (09022015). Collection method: clinical testing. Allele origin: germline.
Comment: This sequence change replaces glycine, which is neutral and non-polar, with arginine, which is basic and polar, at codon 471 of the DNAAF3 protein (p.Gly471Arg). This variant is present in population databases (rs202084011, gnomAD 0.05%). This variant has not been reported in the literature in individuals affected with DNAAF3-related conditions. ClinVar contains an entry for this variant (Variation ID: 454616). Algorithms developed to predict the effect of missense changes on protein structure and function output the following: SIFT: "Tolerated"; PolyPhen-2: "Benign"; Align-GVGD: "Class C0". The arginine amino acid residue is found in multiple mammalian species, which suggests that this missense change does not adversely affect protein function. Algorithms developed to predict the effect of sequence changes on RNA splicing suggest that this variant may create or strengthen a splice site. In summary, the available evidence is currently insufficient to determine the role of this variant in disease. Therefore, it has been classified as a Variant of Uncertain Significance.